The following continues an entry in ClinVar:

NM_000492.4(CFTR):c.3808G>A (p.Asp1270Asn)

ClinVar aggregate classification (germline): Conflicting classifications of pathogenicity. Pathogenic (2); Likely pathogenic (3); Uncertain significance (8); Benign (1); Likely benign (4).

Literature cited by the submitters, continued: PubMed 31005549 (cited by Quest Diagnostics Nichols Institute San Juan Capistrano); PubMed 31350925 (cited by Quest Diagnostics Nichols Institute San Juan Capistrano); PubMed 31665830 (cited by Quest Diagnostics Nichols Institute San Juan Capistrano); PubMed 32172930 (cited by Quest Diagnostics Nichols Institute San Juan Capistrano); PubMed 32773111 (cited by Quest Diagnostics Nichols Institute San Juan Capistrano); PubMed 36828084 (cited by Quest Diagnostics Nichols Institute San Juan Capistrano); PubMed 36264955 (cited by Quest Diagnostics Nichols Institute San Juan Capistrano); PubMed 35451201 (cited by Quest Diagnostics Nichols Institute San Juan Capistrano); PubMed 12172395 (cited by Quest Diagnostics Nichols Institute San Juan Capistrano and Counsyl); PubMed 21708286 (cited by Quest Diagnostics Nichols Institute San Juan Capistrano); PubMed 23687349 (cited by Quest Diagnostics Nichols Institute San Juan Capistrano); PubMed 35527187 (cited by Quest Diagnostics Nichols Institute San Juan Capistrano); PubMed 21658649 (cited by Quest Diagnostics Nichols Institute San Juan Capistrano); PubMed 21184098 (cited by Quest Diagnostics Nichols Institute San Juan Capistrano); PubMed 20217271 (cited by Quest Diagnostics Nichols Institute San Juan Capistrano); PubMed 33020115 (cited by Quest Diagnostics Nichols Institute San Juan Capistrano and Women's Health and Genetics/Laboratory Corporation of America, LabCorp); PubMed 26014425 (cited by Quest Diagnostics Nichols Institute San Juan Capistrano and Women's Health and Genetics/Laboratory Corporation of America, LabCorp); PubMed 25304080 (cited by Quest Diagnostics Nichols Institute San Juan Capistrano and Illumina Laboratory Services, Illumina); PubMed 25033378 (cited by 3 submitters); PubMed 22148899 (cited by Quest Diagnostics Nichols Institute San Juan Capistrano and Laboratory for Molecular Medicine, Mass General Brigham Personalized Medicine); PubMed 17331079 (cited by Quest Diagnostics Nichols Institute San Juan Capistrano and Women's Health and Genetics/Laboratory Corporation of America, LabCorp); PubMed 17329263 (cited by Quest Diagnostics Nichols Institute San Juan Capistrano and Women's Health and Genetics/Laboratory Corporation of America, LabCorp); PubMed 15520400 (cited by Quest Diagnostics Nichols Institute San Juan Capistrano and Women's Health and Genetics/Laboratory Corporation of America, LabCorp); PubMed 14963811 (cited by Quest Diagnostics Nichols Institute San Juan Capistrano and Laboratory for Molecular Medicine, Mass General Brigham Personalized Medicine); PubMed 12127423 (cited by Quest Diagnostics Nichols Institute San Juan Capistrano and Laboratory for Molecular Medicine, Mass General Brigham Personalized Medicine); PubMed 10923036 (cited by Quest Diagnostics Nichols Institute San Juan Capistrano and Women's Health and Genetics/Laboratory Corporation of America, LabCorp); PubMed 10762539 (cited by Quest Diagnostics Nichols Institute San Juan Capistrano and Counsyl); PubMed 9921909 (cited by Quest Diagnostics Nichols Institute San Juan Capistrano and Women's Health and Genetics/Laboratory Corporation of America, LabCorp); PubMed 7529962 (cited by Quest Diagnostics Nichols Institute San Juan Capistrano and Women's Health and Genetics/Laboratory Corporation of America, LabCorp); PubMed 7513889 (cited by Quest Diagnostics Nichols Institute San Juan Capistrano and Women's Health and Genetics/Laboratory Corporation of America, LabCorp); PubMed 1284534 (cited by Quest Diagnostics Nichols Institute San Juan Capistrano and Laboratory for Molecular Medicine, Mass General Brigham Personalized Medicine); PubMed 35698092 (cited by Quest Diagnostics Nichols Institute San Juan Capistrano); PubMed 27738188 (cited by 5 submitters); PubMed 23891399 (cited by 5 submitters); PubMed 21520337 (cited by 5 submitters); PubMed 23951356 (cited by 5 submitters); PubMed 25489051 (cited by 3 submitters); PubMed 15287992 (cited by 5 submitters); PubMed 28546993 (cited by Quest Diagnostics Nichols Institute San Juan Capistrano and Laboratory for Molecular Medicine, Mass General Brigham Personalized Medicine); PubMed 39074961 (cited by Quest Diagnostics Nichols Institute San Juan Capistrano); PubMed 39048464 (cited by Quest Diagnostics Nichols Institute San Juan Capistrano); PubMed 36969284 (cited by Quest Diagnostics Nichols Institute San Juan Capistrano); PubMed 36409994 (cited by Quest Diagnostics Nichols Institute San Juan Capistrano); PubMed 34996830 (cited by Quest Diagnostics Nichols Institute San Juan Capistrano); PubMed 25910067 (cited by Quest Diagnostics Nichols Institute San Juan Capistrano); PubMed 32934006 (cited by Quest Diagnostics Nichols Institute San Juan Capistrano); PubMed 33260873 (cited by Quest Diagnostics Nichols Institute San Juan Capistrano); PubMed 38203285 (cited by Quest Diagnostics Nichols Institute San Juan Capistrano); PubMed 39262237 (cited by Quest Diagnostics Nichols Institute San Juan Capistrano); PubMed 37761847 (cited by Quest Diagnostics Nichols Institute San Juan Capistrano); PubMed 36552859 (cited by Quest Diagnostics Nichols Institute San Juan Capistrano); PubMed 17572159 (cited by Quest Diagnostics Nichols Institute San Juan Capistrano); PubMed 38269366 (cited by Quest Diagnostics Nichols Institute San Juan Capistrano); PubMed 38695616 (cited by Quest Diagnostics Nichols Institute San Juan Capistrano); PubMed 23974870 (cited by 7 submitters); PubMed 10386624 (cited by 5 submitters); PubMed 17975025 (cited by Quest Diagnostics Nichols Institute San Juan Capistrano); PubMed 7532150 (cited by 4 submitters); PubMed 8343799 (cited by Quest Diagnostics Nichols Institute San Juan Capistrano and ARUP Laboratories, Molecular Genetics and Genomics, ARUP Laboratories); PubMed 9950364 (cited by 3 submitters); PubMed 10653141 (cited by Quest Diagnostics Nichols Institute San Juan Capistrano and Laboratory for Molecular Medicine, Mass General Brigham Personalized Medicine); PubMed 18456578 (cited by Quest Diagnostics Nichols Institute San Juan Capistrano and Laboratory for Molecular Medicine, Mass General Brigham Personalized Medicine); PubMed 15994263 (cited by Quest Diagnostics Nichols Institute San Juan Capistrano); PubMed 1545465 (cited by 5 submitters); PubMed 30873022 (cited by Quest Diagnostics Nichols Institute San Juan Capistrano and Women's Health and Genetics/Laboratory Corporation of America, LabCorp); PubMed 31759907 (cited by Quest Diagnostics Nichols Institute San Juan Capistrano and Women's Health and Genetics/Laboratory Corporation of America, LabCorp); PubMed 31883651 (cited by Quest Diagnostics Nichols Institute San Juan Capistrano and Women's Health and Genetics/Laboratory Corporation of America, LabCorp); PubMed 31978131 (cited by Quest Diagnostics Nichols Institute San Juan Capistrano and Women's Health and Genetics/Laboratory Corporation of America, LabCorp); PubMed 32357917 (cited by Quest Diagnostics Nichols Institute San Juan Capistrano and Women's Health and Genetics/Laboratory Corporation of America, LabCorp); PubMed 26087176 (cited by Quest Diagnostics Nichols Institute San Juan Capistrano and Women's Health and Genetics/Laboratory Corporation of America, LabCorp); PubMed 32484936 (cited by Quest Diagnostics Nichols Institute San Juan Capistrano); PubMed 32819855 (cited by Quest Diagnostics Nichols Institute San Juan Capistrano); PubMed 32687833 (cited by Quest Diagnostics Nichols Institute San Juan Capistrano); PubMed 37431359 (cited by Quest Diagnostics Nichols Institute San Juan Capistrano); PubMed 36982273 (cited by Quest Diagnostics Nichols Institute San Juan Capistrano); PubMed 35626323 (cited by Quest Diagnostics Nichols Institute San Juan Capistrano); PubMed 20460946 (cited by Quest Diagnostics Nichols Institute San Juan Capistrano); PubMed 10875853 (cited by Quest Diagnostics Nichols Institute San Juan Capistrano); PubMed 18703181 (cited by 3 submitters); PubMed 15371903 (cited by 3 submitters); PubMed 20880762 (cited by 5 submitters); PubMed 34086689 (cited by Quest Diagnostics Nichols Institute San Juan Capistrano); PubMed 33470563 (cited by Quest Diagnostics Nichols Institute San Juan Capistrano); PubMed 33883100 (cited by Quest Diagnostics Nichols Institute San Juan Capistrano); PubMed 33512069 (cited by Quest Diagnostics Nichols Institute San Juan Capistrano); PubMed 38388235 (cited by Ambry Genetics); PubMed 15371902 (cited by Women's Health and Genetics/Laboratory Corporation of America, LabCorp); PubMed 23420618 (cited by Laboratory for Molecular Medicine, Mass General Brigham Personalized Medicine); PubMed 26823392 (cited by Illumina Laboratory Services, Illumina).